The following is an entry in ClinVar:

NM_000051.4(ATM):c.2786T>A (p.Met929Lys)

Gene: ATM (ATM serine/threonine kinase; plus strand). Cytogenetic location: 11q22.3.
Variant type: single nucleotide variant.
Coding change: c.2786T>A on transcript NM_000051.4 (MANE Select); coding-DNA position 2786, T replaced by A.
Protein change: p.Met929Lys; replaces methionine 929 with lysine.
Molecular consequence: missense variant.
Genome position (GRCh38, 1-based): chr11:108,268,557, T>A. VCF-style: chr11-108268557-T-A. GRCh37 (hg19) VCF-style: chr11-108139284-T-A.
Other names: c.2786T>A, p.Met929Lys (NM_001351834.2); short protein forms M929K.
Identifiers: ClinVar variation 950088 (VCV000950088.12), dbSNP rs745737218, ClinGen allele CA382545585.

ClinVar aggregate classification (germline): Uncertain significance. Review status: criteria provided, multiple submitters, no conflicts (2 of 4 stars). 3 submissions from 3 submitters: Uncertain significance (3). Last evaluated 2025-03-24.

Conditions:
Ataxia-telangiectasia syndrome (AT). Also called: LOUIS-BAR SYNDROME; Ataxia telangiectasia (A-T); Cerebello-oculocutaneous telangiectasia; Immunodeficiency with ataxia telangiectasia; ATAXIA-TELANGIECTASIA, COMPLEMENTATION GROUP A; ATAXIA-TELANGIECTASIA, FRESNO VARIANT. Identifiers: Orphanet 100, MedGen C0004135, MONDO:0008840, OMIM 208900.
Hereditary cancer-predisposing syndrome. Also called: Hereditary neoplastic syndrome; Tumor predisposition; Neoplastic Syndromes, Hereditary; Hereditary Cancer Syndrome. Identifiers: Orphanet 140162, MedGen C0027672, MeSH D009386, MONDO:0015356.

gnomAD v4.1: 1 of 1,614,106 alleles (0.000062%); highest among the groups gnomAD compares: Middle Eastern, 0.017%; no homozygotes.

Submissions (3):

Ambry Genetics
Classification: Uncertain significance for Hereditary cancer-predisposing syndrome. Last evaluated: 2025-03-24. Review status: criteria provided, single submitter. Criteria: Ambry Variant Classification Scheme 2023. Collection method: clinical testing. Allele origin: germline.
Comment: The p.M929K variant (also known as c.2786T>A), located in coding exon 17 of the ATM gene, results from a T to A substitution at nucleotide position 2786. The methionine at codon 929 is replaced by lysine, an amino acid with similar properties. This amino acid position is not well conserved in available vertebrate species. In addition, this alteration is predicted to be tolerated by in silico analysis. Based on the available evidence, the clinical significance of this variant remains unclear.

Color Diagnostics, LLC DBA Color Health
Classification: Uncertain significance for Hereditary cancer-predisposing syndrome. Last evaluated: 2025-01-06. Review status: criteria provided, single submitter. Criteria: ACMG Guidelines, 2015. Collection method: clinical testing. Allele origin: germline.
Comment: This missense variant replaces methionine with lysine at codon 929 of the ATM protein. Computational prediction suggests that this variant may not impact protein structure and function (internally defined REVEL score threshold <= 0.5, PMID: 27666373). To our knowledge, functional studies have not been reported for this variant. This variant has not been reported in individuals affected with ATM-related disorders in the literature. This variant has not been identified in the general population by the Genome Aggregation Database (gnomAD). The available evidence is insufficient to determine the role of this variant in disease conclusively. Therefore, this variant is classified as a Variant of Uncertain Significance.

Labcorp Genetics (formerly Invitae), Labcorp
Classification: Uncertain significance for Ataxia-telangiectasia syndrome. Last evaluated: 2024-06-23. Review status: criteria provided, single submitter. Criteria: Invitae Variant Classification Sherloc (09022015). Collection method: clinical testing. Allele origin: germline.
Comment: This sequence change replaces methionine, which is neutral and non-polar, with lysine, which is basic and polar, at codon 929 of the ATM protein (p.Met929Lys). This variant is not present in population databases (gnomAD no frequency). This variant has not been reported in the literature in individuals affected with ATM-related conditions. ClinVar contains an entry for this variant (Variation ID: 950088). Algorithms developed to predict the effect of missense changes on protein structure and function output the following: SIFT: "Not Available"; PolyPhen-2: "Benign"; Align-GVGD: "Not Available". The lysine amino acid residue is found in multiple mammalian species, which suggests that this missense change does not adversely affect protein function. In summary, the available evidence is currently insufficient to determine the role of this variant in disease. Therefore, it has been classified as a Variant of Uncertain Significance.